The following is an entry in ClinVar:

ClinVar aggregate classification (germline): Uncertain significance. Review status: criteria provided, multiple submitters, no conflicts (2 of 4 stars). 2 submissions from 2 submitters: Uncertain significance (2). Last evaluated 2026-04-16.

Conditions:
Cardiovascular phenotype. Identifiers: MedGen CN230736.

Allele frequency attached by ClinVar (database versions not stated): gnomAD 0.00001; gnomAD exomes below 0.00001 and 0.00001; TOPMed 0.00004; ExAC 0.00001.
gnomAD v4.1: 16 of 1,608,492 alleles (0.00099%); highest among the groups gnomAD compares: Non-Finnish European, 0.0013%; no homozygotes.

Submissions (2):

Ambry Genetics
Classification: Uncertain significance for Cardiovascular phenotype. Last evaluated: 2026-04-16. Review status: criteria provided, single submitter. Criteria: Ambry Variant Classification Scheme 2023. Collection method: clinical testing. Allele origin: germline.

Labcorp Genetics (formerly Invitae), Labcorp
Classification: Uncertain significance. Last evaluated: 2025-06-20. Review status: criteria provided, single submitter. Criteria: Invitae Variant Classification Sherloc (09022015). Collection method: clinical testing. Allele origin: germline.
Comment: This sequence change replaces glutamic acid, which is acidic and polar, with lysine, which is basic and polar, at codon 1342 of the ALPK3 protein (p.Glu1342Lys). This variant is not present in population databases (gnomAD no frequency). This missense change has been observed in individual(s) with hypertrophic cardiomypoathy (internal data). ClinVar contains an entry for this variant (Variation ID: 1516995). Invitae Evidence Modeling of protein sequence and biophysical properties (such as structural, functional, and spatial information, amino acid conservation, physicochemical variation, residue mobility, and thermodynamic stability) indicates that this missense variant is not expected to disrupt ALPK3 protein function with a negative predictive value of 80%. In summary, the available evidence is currently insufficient to determine the role of this variant in disease. Therefore, it has been classified as a Variant of Uncertain Significance.

NM_020778.5(ALPK3):c.3418G>A (p.Glu1140Lys)

Gene: ALPK3 (alpha kinase 3; plus strand). Cytogenetic location: 15q25.3.
Variant type: single nucleotide variant.
Coding change: c.3418G>A on transcript NM_020778.5 (MANE Select); coding-DNA position 3418, G replaced by A.
Protein change: p.Glu1140Lys; replaces glutamic acid 1140 with lysine.
Molecular consequence: missense variant.
Genome position (GRCh38, 1-based): chr15:84,858,156, G>A. VCF-style: chr15-84858156-G-A. GRCh37 (hg19) VCF-style: chr15-85401387-G-A.
Other names: c.4024G>A (NM_020778.4); short protein forms E1140K.
Identifiers: ClinVar variation 1516995 (VCV001516995.11), dbSNP rs752982998, ClinGen allele CA7709626.